The following is an entry in ClinVar:

NM_057175.5(NAA15):c.2155G>A (p.Ala719Thr)

Gene: NAA15 (N-alpha-acetyltransferase 15, NatA auxiliary subunit; plus strand). Cytogenetic location: 4q31.1.
Variant type: single nucleotide variant.
Coding change: c.2155G>A on transcript NM_057175.5 (MANE Select); coding-DNA position 2155, G replaced by A.
Protein change: p.Ala719Thr; replaces alanine 719 with threonine.
Molecular consequence: missense variant.
Genome position (GRCh38, 1-based): chr4:139,378,854, G>A. VCF-style: chr4-139378854-G-A. GRCh37 (hg19) VCF-style: chr4-140300008-G-A.
Other names: c.2155G>A, p.Val719Met (NM_001410842.1); c.*564G>A (NM_025085.2); short protein forms A719T, V719M.
Identifiers: ClinVar variation 2571784 (VCV002571784.1), dbSNP rs2530464909, ClinGen allele CA358270429.
Genomic context (GRCh38, chr4:139,378,854, plus strand): 5'-TTTGCTATTGATTCTAGTCATCCCTGGCTTCATGAGTGTATGATTCGTCTCTTTAATACT[G>A]GTATGTTTTTGTTTTCCATTACTTAAGTATTTGATACAGTGGTTGATGGTGACGGTATAA-3'
Protein context (NP_476516.1, residues 709-729): HECMIRLFNT[Ala719Thr]VCESKDLSDT

ClinVar aggregate classification (germline): Likely pathogenic (1 of 4 stars; one submission).

Submission:

GeneDx
Classification: Likely pathogenic. Last evaluated: 2023-07-05. Review status: criteria provided, single submitter. Criteria: GeneDx Variant Classification Process June 2021. Collection method: clinical testing. Allele origin: germline. Affected: yes.
Comment: Not observed at significant frequency in large population cohorts (gnomAD); Alters the last nucleotide of the exon and is predicted to damage the splice donor site but the effect on protein function is unclear; In silico analysis supports that this missense variant does not alter protein structure/function; This variant is associated with the following publications: (PMID: 37130971)